The following is an entry in ClinVar:

ClinVar aggregate classification (germline): Uncertain significance. Review status: criteria provided, multiple submitters, no conflicts (2 of 4 stars). 2 submissions from 2 submitters: Uncertain significance (2). Last evaluated 2025-10-23.

Conditions:
Pigmented nodular adrenocortical disease, primary, 2 (PPNAD2). Also called: CUSHING SYNDROME, ADRENAL, DUE TO PPNAD2; PIGMENTED MICRONODULAR ADRENOCORTICAL DISEASE, PRIMARY, 2. Identifiers: Orphanet 189439, MedGen C1864851, MONDO:0012505, OMIM 610475.

gnomAD v4.1: 5 of 1,613,932 alleles (0.00031%); highest among the groups gnomAD compares: Admixed American, 0.0083%; no homozygotes.

Submissions (2):

Ambry Genetics
Classification: Uncertain significance. Last evaluated: 2025-10-23. Review status: criteria provided, single submitter. Criteria: Ambry Variant Classification Scheme 2023. Collection method: clinical testing. Allele origin: germline.

Baylor Genetics
Classification: Uncertain significance for Pigmented nodular adrenocortical disease, primary, 2. Last evaluated: 2018-02-19. Review status: criteria provided, single submitter. Criteria: ACMG Guidelines, 2015. Collection method: clinical testing. Allele origin: unknown. Affected: yes.
Comment: This variant was determined to be of uncertain significance according to ACMG Guidelines, 2015 [PMID:25741868].

NM_016953.4(PDE11A):c.493C>A (p.Pro165Thr)

Gene: PDE11A (phosphodiesterase 11A; minus strand). Cytogenetic location: 2q31.2.
Variant type: single nucleotide variant.
Coding change: c.493C>A on transcript NM_016953.4 (MANE Select); coding-DNA position 493, C replaced by A.
Protein change: p.Pro165Thr; replaces proline 165 with threonine.
Molecular consequence: missense variant. On other transcripts: intron variant (1).
Genome position (GRCh38, 1-based): chr2:178,071,945, G>T on the plus strand (C>A on the coding strand, the complement: PDE11A is on the minus strand). VCF-style: chr2-178071945-G-T. GRCh37 (hg19) VCF-style: chr2-178936672-G-T.
Other names: c.162+32357C>A (NM_001077197.2); short protein forms P165T.
Identifiers: ClinVar variation 1031979 (VCV001031979.2), dbSNP rs779068288, ClinGen allele CA1982252.